The following is an entry in ClinVar:

NM_147127.5(EVC2):c.3523_3527dup (p.Gln1179fs)

Gene: EVC2 (EvC ciliary complex subunit 2; minus strand). Cytogenetic location: 4p16.2.
Variant type: Duplication.
Coding change: c.3523_3527dup on transcript NM_147127.5 (MANE Select); coding-DNA positions 3523 to 3527, 5 bases duplicated (GGCGG; older notation c.3523_3527dupGGCGG).
Protein change: p.Gln1179fs; shifts the reading frame from glutamine 1179.
Molecular consequence: frameshift variant.
Genome position (GRCh38, 1-based): chr4:5,568,474-5,568,478, CCGCC duplicated on the plus strand (GGCGG on the coding strand, the reverse complement: EVC2 is on the minus strand). VCF-style (leftmost placement, unchanged base first): chr4-5568473-T-TCCGCC. GRCh37 (hg19) VCF-style: chr4-5570200-T-TCCGCC.
Other names: c.3283_3287dup, p.Gln1099fs (NM_001166136.2); short protein forms Q1099fs, Q1179fs.
Identifiers: ClinVar variation 1400047 (VCV001400047.7), dbSNP rs1560126707, ClinGen allele CA549707314.

ClinVar aggregate classification (germline): Pathogenic (1 of 4 stars; one submission).

Conditions:
Ellis-van Creveld syndrome (EVC). Also called: EVC-Related Ellis-van Creveld Syndrome; EVC2-Related Ellis-van Creveld Syndrome; Chondroectodermal dysplasia; MESOECTODERMAL DYSPLASIA. Identifiers: Orphanet 289, MedGen C0013903, MONDO:0009162, OMIM 225500.
Curry-Hall syndrome (WAD). Also called: WEYERS ACRODENTAL DYSOSTOSIS. Identifiers: Orphanet 952, MedGen C0457013, MONDO:0008673, OMIM 193530.

Allele frequency attached by ClinVar (database versions not stated): gnomAD exomes below 0.00001; gnomAD 0.00001.

Submission:

Labcorp Genetics (formerly Invitae), Labcorp
Classification: Pathogenic for Curry-Hall syndrome; Ellis-van Creveld syndrome. Last evaluated: 2021-11-18. Review status: criteria provided, single submitter. Criteria: Invitae Variant Classification Sherloc (09022015). Collection method: clinical testing. Allele origin: germline.
Comment: This variant is present in population databases (no rsID available, gnomAD 0.01%). For these reasons, this variant has been classified as Pathogenic. This variant has not been reported in the literature in individuals affected with EVC2-related conditions. This sequence change creates a premature translational stop signal (p.Gln1179Argfs*19) in the EVC2 gene. It is expected to result in an absent or disrupted protein product. Loss-of-function variants in EVC2 are known to be pathogenic (PMID: 17024374, 19810119, 19876929).

Literature cited by the submitters: PubMed 17024374; PubMed 19810119; PubMed 19876929.